The following is an entry in ClinVar:

NM_001291303.3(FAT4):c.428C>T (p.Thr143Ile)

Gene: FAT4 (FAT atypical cadherin 4; plus strand). Cytogenetic location: 4q28.1.
Variant type: single nucleotide variant.
Coding change: c.428C>T on transcript NM_001291303.3 (MANE Select); coding-DNA position 428, C replaced by T.
Protein change: p.Thr143Ile; replaces threonine 143 with isoleucine.
Molecular consequence: missense variant.
Genome position (GRCh38, 1-based): chr4:125,316,839, C>T. VCF-style: chr4-125316839-C-T. GRCh37 (hg19) VCF-style: chr4-126237994-C-T.
Other names: c.428C>T, p.Thr143Ile (NM_001291285.3, NM_024582.6); c.428C>T (NM_024582.4); short protein forms T143I.
Identifiers: ClinVar variation 2091831 (VCV002091831.3), dbSNP rs762641926, ClinGen allele CA3071810.

ClinVar aggregate classification (germline): Uncertain significance. Review status: criteria provided, multiple submitters, no conflicts (2 of 4 stars). 2 submissions from 2 submitters: Uncertain significance (2). Last evaluated 2025-11-26.

Conditions:
Inborn genetic diseases. Identifiers: MedGen C0950123, MeSH D030342.

Allele frequency attached by ClinVar (database versions not stated): gnomAD 0.00001; gnomAD exomes 0.00001; TOPMed below 0.00001; ExAC 0.00003.
gnomAD v4.1: 15 of 1,613,968 alleles (0.00093%); highest among the groups gnomAD compares: South Asian, 0.0099%; no homozygotes.

Submissions (2):

Ambry Genetics
Classification: Uncertain significance for Inborn genetic diseases. Last evaluated: 2025-11-26. Review status: criteria provided, single submitter. Criteria: Ambry Variant Classification Scheme 2023. Collection method: clinical testing. Allele origin: germline.

Labcorp Genetics (formerly Invitae), Labcorp
Classification: Uncertain significance. Last evaluated: 2022-02-02. Review status: criteria provided, single submitter. Criteria: Invitae Variant Classification Sherloc (09022015). Collection method: clinical testing. Allele origin: germline.
Comment: This variant is present in population databases (rs762641926, gnomAD 0.02%). In summary, the available evidence is currently insufficient to determine the role of this variant in disease. Therefore, it has been classified as a Variant of Uncertain Significance. Advanced modeling of protein sequence and biophysical properties (such as structural, functional, and spatial information, amino acid conservation, physicochemical variation, residue mobility, and thermodynamic stability) performed at Invitae indicates that this missense variant is not expected to disrupt FAT4 protein function. This variant has not been reported in the literature in individuals affected with FAT4-related conditions. This sequence change replaces threonine, which is neutral and polar, with isoleucine, which is neutral and non-polar, at codon 143 of the FAT4 protein (p.Thr143Ile).